The following is an entry in ClinVar:

ClinVar aggregate classification (germline): Conflicting classifications of pathogenicity. Review status: criteria provided, conflicting classifications (1 of 4 stars). 14 submissions from 9 submitters: Uncertain significance (11); Likely benign (2). 1 of the submissions does not count toward it. Last evaluated 2025-11-04.

Conditions:
Acromicric dysplasia (ACMICD). Also called: Acromicric skeletal dysplasia. Identifiers: Orphanet 969, MedGen C0265287, MONDO:0007055, OMIM 102370.
Marfan syndrome (MFS). Also called: FBN1-Related Marfan Syndrome; Marfan syndrome type 1; Marfan's syndrome; Marfan syndrome, classic; MARFAN SYNDROME, TYPE I. Identifiers: Orphanet 284963, Orphanet 558, MedGen C0024796, MONDO:0007947, OMIM 154700.
Progeroid and marfanoid aspect-lipodystrophy syndrome. Also called: MARFANOID-PROGEROID-LIPODYSTROPHY SYNDROME; MARFANOID-PROGEROID SYNDROME; MARFAN-PROGEROID-LIPODYSTROPHY SYNDROME; Marfan lipodystrophy syndrome. Identifiers: Orphanet 300382, MedGen C4310796, MONDO:0014831, OMIM 616914.
Stiff skin syndrome (SSKS). Identifiers: Orphanet 2833, MedGen C1861456, MONDO:0008492, OMIM 184900.
Geleophysic dysplasia 2 (GPHYSD2). Identifiers: Orphanet 2623, MedGen C3280054, MONDO:0013612, OMIM 614185.
Weill-Marchesani syndrome 2, dominant. Also called: Weill-Marchesani Syndrome, Autosomal Dominant; FBN1-Related Weill-Marchesani Syndrome. Identifiers: Orphanet 2084, MedGen C1869115, MONDO:0012013, OMIM 608328.
MASS syndrome (OCTD). Also called: OVERLAP CONNECTIVE TISSUE DISEASE; MASS PHENOTYPE. Identifiers: MedGen C1858556, MONDO:0011431, OMIM 604308.
Ectopia lentis 1, isolated, autosomal dominant (ECTOL1). Identifiers: Orphanet 1885, MedGen C3541518, MONDO:0007514, OMIM 129600.
Weill-Marchesani syndrome. Also called: WM Syndrome; Mesodermal dysmorphodystrophy congenital. Identifiers: Orphanet 3449, MedGen C0265313, MONDO:0018096.
Familial thoracic aortic aneurysm and aortic dissection (TAAD). Also called: Thoracic aortic aneurysms and dissections. Identifiers: Orphanet 91387, MedGen C4707243, MONDO:0019625.

Allele frequency attached by ClinVar (database versions not stated): TOPMed below 0.00001; ExAC 0.00001; gnomAD 0.00001; gnomAD exomes 0.00001 and below 0.00001.
gnomAD v4.1: 11 of 1,613,814 alleles (0.00068%); highest among the groups gnomAD compares: South Asian, 0.0033%; no homozygotes.

Submissions (14):

Color Diagnostics, LLC DBA Color Health
Classification: Uncertain significance for Familial thoracic aortic aneurysm and aortic dissection. Last evaluated: 2025-11-04. Review status: criteria provided, single submitter. Criteria: ACMG Guidelines, 2015. Collection method: clinical testing. Allele origin: germline.
Comment: This missense variant replaces histidine with arginine at codon 1187 of the FBN1 protein. Computational prediction tools indicate that this variant has a neutral impact on protein structure and function. To our knowledge, functional studies have not been reported for this variant. This variant has not been reported in individuals affected with FBN1-related disorders in the literature. This variant has been identified in 11/1613814 chromosomes in the general population by the Genome Aggregation Database (gnomAD). The available evidence is insufficient to determine the role of this variant in disease conclusively. Therefore, this variant is classified as a Variant of Uncertain Significance.

Labcorp Genetics (formerly Invitae), Labcorp
Classification: Likely benign for Marfan syndrome; Familial thoracic aortic aneurysm and aortic dissection. Last evaluated: 2025-02-19. Review status: criteria provided, single submitter. Criteria: Invitae Variant Classification Sherloc (09022015). Collection method: clinical testing. Allele origin: germline.

All of Us Research Program, National Institutes of Health
Classification: Uncertain significance for Marfan syndrome. Last evaluated: 2023-05-16. Review status: criteria provided, single submitter. Criteria: ACMG Guidelines, 2015. Collection method: clinical testing. Allele origin: germline. Inheritance: Autosomal dominant inheritance. Observed: 2 variant alleles, 2 heterozygotes.
Comment: This missense variant replaces histidine with arginine at codon 1187 of the FBN1 protein. Computational prediction suggests that this variant may not impact protein structure and function (internally defined REVEL score threshold <= 0.5, PMID: 27666373). To our knowledge, functional studies have not been reported for this variant. This variant has not been reported in individuals affected with cardiovascular disorders in the literature. This variant has been identified in 2/251378 chromosomes in the general population by the Genome Aggregation Database (gnomAD). The available evidence is insufficient to determine the role of this variant in disease conclusively. Therefore, this variant is classified as a Variant of Uncertain Significance.

This study involves interpretation of variants in research participants for the purpose of population health screening. Participant phenotype was not available at the time of variant classification. Additional details can be found in publication PMID: 35346344, PMCID: PMC8962531

Fulgent Genetics
Classification: Uncertain significance for Acromicric dysplasia; Ectopia lentis 1, isolated, autosomal dominant; Marfan syndrome; Stiff skin syndrome; MASS syndrome; Weill-Marchesani syndrome 2, dominant; Geleophysic dysplasia 2; Progeroid and marfanoid aspect-lipodystrophy syndrome. Last evaluated: 2021-12-10. Review status: criteria provided, single submitter. Criteria: ACMG Guidelines, 2015. Collection method: clinical testing. Allele origin: unknown.

Department of Pathology and Laboratory Medicine, Sinai Health System
Classification: Uncertain significance for Acromicric dysplasia; Ectopia lentis 1, isolated, autosomal dominant; Marfan syndrome; Stiff skin syndrome; MASS syndrome; Weill-Marchesani syndrome 2, dominant; Geleophysic dysplasia 2; Progeroid and marfanoid aspect-lipodystrophy syndrome. Last evaluated: 2021-07-30. Review status: criteria provided, single submitter. Criteria: ACMG Guidelines, 2015. Collection method: research. Allele origin: germline.

Blueprint Genetics
Classification: Likely benign. Last evaluated: 2019-05-16. Review status: criteria provided, single submitter. Criteria: ACMG Guidelines, 2015. Collection method: clinical testing. Allele origin: germline.

Illumina Laboratory Services, Illumina
Classification: Uncertain significance for Acromicric dysplasia. Last evaluated: 2017-04-27. Review status: criteria provided, single submitter. Criteria: ICSL Variant Classification Criteria 13 December 2019. Collection method: clinical testing. Allele origin: germline.

Illumina Laboratory Services, Illumina
Classification: Uncertain significance for Ectopia lentis 1, isolated, autosomal dominant. Last evaluated: 2017-04-27. Review status: criteria provided, single submitter. Criteria: ICSL Variant Classification Criteria 13 December 2019. Collection method: clinical testing. Allele origin: germline.

Illumina Laboratory Services, Illumina
Classification: Uncertain significance for Familial thoracic aortic aneurysm and aortic dissection. Last evaluated: 2017-04-27. Review status: criteria provided, single submitter. Criteria: ICSL Variant Classification Criteria 13 December 2019. Collection method: clinical testing. Allele origin: germline.

Illumina Laboratory Services, Illumina
Classification: Uncertain significance for Stiff skin syndrome. Last evaluated: 2017-04-27. Review status: criteria provided, single submitter. Criteria: ICSL Variant Classification Criteria 13 December 2019. Collection method: clinical testing. Allele origin: germline.

Illumina Laboratory Services, Illumina
Classification: Uncertain significance for Marfan syndrome. Last evaluated: 2017-04-27. Review status: criteria provided, single submitter. Criteria: ICSL Variant Classification Criteria 13 December 2019. Collection method: clinical testing. Allele origin: germline.

Illumina Laboratory Services, Illumina
Classification: Uncertain significance for Weill-Marchesani syndrome. Last evaluated: 2017-04-27. Review status: criteria provided, single submitter. Criteria: ICSL Variant Classification Criteria 13 December 2019. Collection method: clinical testing. Allele origin: germline.

Laboratory for Molecular Medicine, Mass General Brigham Personalized Medicine
Classification: Uncertain significance. Last evaluated: 2012-07-25. Review status: criteria provided, single submitter. Criteria: LMM Criteria. Collection method: clinical testing. Allele origin: germline. Observed: 1 variant allele.
Comment: The His1187Arg variant in FBN1 has not been reported in the literature nor previ ously identified by our laboratory. Computational analyses (biochemical amino ac id properties, conservation, AlignGVGD, PolyPhen2, and SIFT) suggest that the Hi s1187Arg variant may not impact the protein, though this information is not pred ictive enough to rule out pathogenicity. In summary, additional information is needed to fully assess the clinical significance of the His1187Arg variant.

Women's Health and Genetics/Laboratory Corporation of America, LabCorp
Classification: Uncertain significance for Marfan's syndrome. Last evaluated: 2015-10-02. Review status: no assertion criteria provided. Collection method: clinical testing. Allele origin: germline. Not counted in ClinVar's aggregate classification.

NM_000138.5(FBN1):c.3560A>G (p.His1187Arg)

Gene: FBN1 (fibrillin 1; minus strand). Cytogenetic location: 15q21.1.
Variant type: single nucleotide variant.
Coding change: c.3560A>G on transcript NM_000138.5 (MANE Select); coding-DNA position 3560, A replaced by G.
Protein change: p.His1187Arg; replaces histidine 1187 with arginine.
Molecular consequence: missense variant.
Genome position (GRCh38, 1-based): chr15:48,487,104, T>C on the plus strand (A>G on the coding strand, the complement: FBN1 is on the minus strand). VCF-style: chr15-48487104-T-C. GRCh37 (hg19) VCF-style: chr15-48779301-T-C.
Other names: short protein forms H1187R.
Identifiers: ClinVar variation 36067 (VCV000036067.25), dbSNP rs193922200, ClinGen allele CA014274.